The following is an entry in ClinVar:

NM_020822.3(KCNT1):c.1946C>G (p.Ser649Trp)

Gene: KCNT1 (potassium sodium-activated channel subfamily T member 1; plus strand). Cytogenetic location: 9q34.3.
Variant type: single nucleotide variant.
Coding change: c.1946C>G on transcript NM_020822.3 (MANE Select); coding-DNA position 1946, C replaced by G.
Protein change: p.Ser649Trp; replaces serine 649 with tryptophan.
Molecular consequence: missense variant.
Genome position (GRCh38, 1-based): chr9:135,771,033, C>G. VCF-style: chr9-135771033-C-G. GRCh37 (hg19) VCF-style: chr9-138662879-C-G.
Other names: c.1811C>G, p.Ser604Trp (NM_001272003.2); short protein forms S604W, S649W.
Identifiers: ClinVar variation 1008322 (VCV001008322.9), dbSNP rs747671066, ClinGen allele CA375508668.

ClinVar aggregate classification (germline): Uncertain significance (1 of 4 stars; one submission).

Conditions:
Autosomal dominant nocturnal frontal lobe epilepsy 5. Also called: KCNT1-Related Epilepsy; CILIARY DYSKINESIA, PRIMARY, 28, WITHOUT SITUS INVERSUS; CILIARY DYSKINESIA, PRIMARY, 28, WITH SITUS INVERSUS; Epilepsy, nocturnal frontal lobe, 5. Identifiers: Orphanet 98784, MedGen C3554306, MONDO:0014002, OMIM 615005.
Developmental and epileptic encephalopathy, 14 (DEE14). Also called: Early infantile epileptic encephalopathy 14. Identifiers: Orphanet 293181, MedGen C3554195, MONDO:0013989, OMIM 614959.

Submission:

Labcorp Genetics (formerly Invitae), Labcorp
Classification: Uncertain significance for Autosomal dominant nocturnal frontal lobe epilepsy 5; Developmental and epileptic encephalopathy, 14. Last evaluated: 2025-08-31. Review status: criteria provided, single submitter. Criteria: Invitae Variant Classification Sherloc (09022015). Collection method: clinical testing. Allele origin: germline.
Comment: This sequence change replaces serine, which is neutral and polar, with tryptophan, which is neutral and slightly polar, at codon 649 of the KCNT1 protein (p.Ser649Trp). This variant is not present in population databases (gnomAD no frequency). This variant has not been reported in the literature in individuals affected with KCNT1-related conditions. ClinVar contains an entry for this variant (Variation ID: 1008322). Invitae Evidence Modeling of protein sequence and biophysical properties (such as structural, functional, and spatial information, amino acid conservation, physicochemical variation, residue mobility, and thermodynamic stability) indicates that this missense variant is not expected to disrupt KCNT1 protein function with a negative predictive value of 80%. In summary, the available evidence is currently insufficient to determine the role of this variant in disease. Therefore, it has been classified as a Variant of Uncertain Significance.